The following is an entry in ClinVar:

NM_015512.5(DNAH1):c.7447G>A (p.Glu2483Lys)

Gene: DNAH1 (dynein axonemal heavy chain 1; plus strand). Cytogenetic location: 3p21.1.
Variant type: single nucleotide variant.
Coding change: c.7447G>A on transcript NM_015512.5 (MANE Select); coding-DNA position 7447, G replaced by A.
Protein change: p.Glu2483Lys; replaces glutamic acid 2483 with lysine.
Molecular consequence: missense variant.
Genome position (GRCh38, 1-based): chr3:52,379,974, G>A. VCF-style: chr3-52379974-G-A. GRCh37 (hg19) VCF-style: chr3-52413990-G-A.
Other names: short protein forms E2483K.
Identifiers: ClinVar variation 3763487 (VCV003763487.2).

ClinVar aggregate classification (germline): Uncertain significance (1 of 4 stars; one submission).

Conditions:
Spermatogenic failure 18. Identifiers: MedGen C4539783, MONDO:0054615, OMIM 617576.
Ciliary dyskinesia, primary, 37 (CILD37). Also called: CILIARY DYSKINESIA, PRIMARY, 37, WITH OR WITHOUT SITUS INVERSUS. Identifiers: MedGen C4539798, MONDO:0033204, OMIM 617577.

gnomAD v4.1: 29 of 1,586,464 alleles (0.0018%); highest among the groups gnomAD compares: South Asian, 0.028%; no homozygotes.

Submission:

Labcorp Genetics (formerly Invitae), Labcorp
Classification: Uncertain significance for Ciliary dyskinesia, primary, 37; Spermatogenic failure 18. Last evaluated: 2024-06-28. Review status: criteria provided, single submitter. Criteria: Invitae Variant Classification Sherloc (09022015). Collection method: clinical testing. Allele origin: germline.
Comment: This sequence change replaces glutamic acid, which is acidic and polar, with lysine, which is basic and polar, at codon 2483 of the DNAH1 protein (p.Glu2483Lys). This variant is present in population databases (rs749980575, gnomAD 0.03%). This variant has not been reported in the literature in individuals affected with DNAH1-related conditions. Advanced modeling of protein sequence and biophysical properties (such as structural, functional, and spatial information, amino acid conservation, physicochemical variation, residue mobility, and thermodynamic stability) performed at Invitae indicates that this missense variant is not expected to disrupt DNAH1 protein function with a negative predictive value of 80%. In summary, the available evidence is currently insufficient to determine the role of this variant in disease. Therefore, it has been classified as a Variant of Uncertain Significance.